The following is an entry in ClinVar:

NM_001042492.3(NF1):c.239A>C (p.Tyr80Ser)

Gene: NF1 (neurofibromin 1; plus strand). Cytogenetic location: 17q11.2.
Variant type: single nucleotide variant.
Coding change: c.239A>C on transcript NM_001042492.3 (MANE Select); coding-DNA position 239, A replaced by C.
Protein change: p.Tyr80Ser; replaces tyrosine 80 with serine.
Molecular consequence: missense variant.
Genome position (GRCh38, 1-based): chr17:31,159,044, A>C. VCF-style: chr17-31159044-A-C. GRCh37 (hg19) VCF-style: chr17-29486062-A-C.
Other names: c.239A>C, p.Tyr80Ser (NM_000267.4, NM_001128147.3); short protein forms Y80S.
Identifiers: ClinVar variation 457582 (VCV000457582.18), dbSNP rs4795581, ClinGen allele CA289350615.
Genomic context (GRCh38, chr17:31,159,044, plus strand): 5'-TATGTTCTGAATATCTTTTCTGTTAGAGAATATTTGGAGAAGCTGCTGAAAAAAATTTAT[A>C]TCTCTCTCAGTTGATTATATTGGATACACTGGAAAAATGTCTTGCTGGGGTAAGTAAATT-3'
Protein context (NP_001035957.1, residues 70-90): IFGEAAEKNL[Tyr80Ser]LSQLIILDTL

ClinVar aggregate classification (germline): Conflicting classifications of pathogenicity. Review status: criteria provided, conflicting classifications (1 of 4 stars). 4 submissions from 4 submitters: Uncertain significance (3); Likely benign (1). Last evaluated 2025-02-16.

Conditions:
Neurofibromatosis, type 1 (NF1). Also called: VON RECKLINGHAUSEN DISEASE; NEUROFIBROMATOSIS, TYPE I, SOMATIC; Peripheral type neurofibromatosis; Neurofibromatosis, type I. Identifiers: Orphanet 636, MedGen C0027831, MONDO:0018975, OMIM 162200. Disease mechanism: loss of function.
Cardiovascular phenotype. Identifiers: MedGen CN230736.
Hereditary cancer-predisposing syndrome. Also called: Hereditary Cancer Syndrome; Hereditary neoplastic syndrome; Tumor predisposition; Neoplastic Syndromes, Hereditary. Identifiers: Orphanet 140162, MedGen C0027672, MeSH D009386, MONDO:0015356.

Allele frequency attached by ClinVar (database versions not stated): TOPMed 0.00001.
gnomAD v4.1: 10 of 1,609,122 alleles (0.00062%); highest among the groups gnomAD compares: Non-Finnish European, 0.00085%; no homozygotes.

Submissions (4):

Ambry Genetics
Classification: Uncertain significance for Cardiovascular phenotype; Hereditary cancer-predisposing syndrome. Last evaluated: 2025-02-16. Review status: criteria provided, single submitter. Criteria: Ambry Variant Classification Scheme 2023. Collection method: clinical testing. Allele origin: germline.
Comment: The p.Y80S variant (also known as c.239A>C), located in coding exon 3 of the NF1 gene, results from an A to C substitution at nucleotide position 239. The tyrosine at codon 80 is replaced by serine, an amino acid with dissimilar properties. This amino acid position is highly conserved in available vertebrate species. In addition, the in silico prediction for this alteration is inconclusive. Since supporting evidence is limited at this time, the clinical significance of this alteration remains unclear.

Labcorp Genetics (formerly Invitae), Labcorp
Classification: Likely benign for Neurofibromatosis, type 1. Last evaluated: 2024-12-27. Review status: criteria provided, single submitter. Criteria: Invitae Variant Classification Sherloc (09022015). Collection method: clinical testing. Allele origin: germline.

Genome-Nilou Lab
Classification: Uncertain significance for Neurofibromatosis, type 1. Last evaluated: 2022-03-15. Review status: criteria provided, single submitter. Criteria: ACMG Guidelines, 2015. Collection method: clinical testing. Allele origin: germline. Affected: no.

Laboratory for Molecular Medicine, Mass General Brigham Personalized Medicine
Classification: Uncertain significance. Last evaluated: 2016-05-16. Review status: criteria provided, single submitter. Criteria: LMM Criteria. Collection method: clinical testing. Allele origin: germline. Observed: 1 variant allele.
Comment: The p.Tyr80Ser variant in NF1 has not been previously reported in individuals wi th clinical features of a RASopathy or in large population studies. Computationa l prediction tools and conservation analysis do not provide strong support for o r against an impact to the protein. In summary, the clinical significance of the p.Tyr80Ser variant is uncertain.